The following is an entry in ClinVar:

NM_015978.3(TNNI3K):c.89G>T (p.Arg30Ile)

Genes: FPGT-TNNI3K (FPGT-TNNI3K readthrough; plus strand), TNNI3K (TNNI3 interacting kinase; plus strand). Cytogenetic location: 1p31.1.
Variant type: single nucleotide variant.
Coding change: c.89G>T on transcript NM_015978.3 (MANE Select); coding-DNA position 89, G replaced by T.
Protein change: p.Arg30Ile; replaces arginine 30 with isoleucine.
Molecular consequence: missense variant.
Genome position (GRCh38, 1-based): chr1:74,236,150, G>T. VCF-style: chr1-74236150-G-T. GRCh37 (hg19) VCF-style: chr1-74701834-G-T.
Other names: c.392G>T, p.Arg131Ile (NM_001112808.3, NM_001199327.2); short protein forms R131I, R30I.
Identifiers: ClinVar variation 2839806 (VCV002839806.3), dbSNP rs1406241089, ClinGen allele CA340787060.

ClinVar aggregate classification (germline): Uncertain significance (1 of 4 stars; one submission).

gnomAD v4.1: 2 of 1,608,318 alleles (0.00012%); highest among the groups gnomAD compares: Non-Finnish European, 0.00017%; no homozygotes.

Submission:

Labcorp Genetics (formerly Invitae), Labcorp
Classification: Uncertain significance. Last evaluated: 2025-12-20. Review status: criteria provided, single submitter. Criteria: Invitae Variant Classification Sherloc (09022015). Collection method: clinical testing. Allele origin: germline.
Comment: This sequence change replaces arginine, which is basic and polar, with isoleucine, which is neutral and non-polar, at codon 30 of the TNNI3K protein (p.Arg30Ile). This variant is not present in population databases (gnomAD no frequency). This variant has not been reported in the literature in individuals affected with TNNI3K-related conditions. ClinVar contains an entry for this variant (Variation ID: 2839806). Invitae Evidence Modeling of protein sequence and biophysical properties (such as structural, functional, and spatial information, amino acid conservation, physicochemical variation, residue mobility, and thermodynamic stability) indicates that this missense variant is not expected to disrupt TNNI3K protein function with a negative predictive value of 80%. In summary, the available evidence is currently insufficient to determine the role of this variant in disease. Therefore, it has been classified as a Variant of Uncertain Significance.